The following is an entry in ClinVar:

ClinVar aggregate classification (germline): Uncertain significance. Review status: criteria provided, multiple submitters, no conflicts (2 of 4 stars). 2 submissions from 2 submitters: Uncertain significance (2). Last evaluated 2026-01-02.

Conditions:
Hereditary cancer-predisposing syndrome. Also called: Neoplastic Syndromes, Hereditary; Hereditary neoplastic syndrome; Tumor predisposition; Hereditary Cancer Syndrome. Identifiers: Orphanet 140162, MedGen C0027672, MeSH D009386, MONDO:0015356.
Hereditary breast ovarian cancer syndrome. Also called: Hereditary breast and/or ovarian cancer syndrome; Hereditary breast and ovarian cancer syndrome (HBOC); Hereditary breast and ovarian cancer; BRCA1- and BRCA2-Associated Hereditary Breast and Ovarian Cancer; Hereditary breast and ovarian cancer syndrome; Breast and ovarian cancer. Identifiers: Orphanet 145, MedGen C0677776, MeSH D061325, MONDO:0003582. Disease mechanism: loss of function.

Submissions (2):

Ambry Genetics
Classification: Uncertain significance for Hereditary cancer-predisposing syndrome. Last evaluated: 2026-01-02. Review status: criteria provided, single submitter. Criteria: Ambry Variant Classification Scheme 2023. Collection method: clinical testing. Allele origin: germline.
Comment: The p.Q1118R variant (also known as c.3353A>G), located in coding exon 9 of the BRCA1 gene, results from an A to G substitution at nucleotide position 3353. The glutamine at codon 1118 is replaced by arginine, an amino acid with highly similar properties. This amino acid position is not well conserved in available vertebrate species. In addition, the in silico prediction for this alteration is inconclusive. Based on the available evidence, the clinical significance of this variant remains unclear.

Labcorp Genetics (formerly Invitae), Labcorp
Classification: Uncertain significance for Hereditary breast ovarian cancer syndrome. Last evaluated: 2026-01-02. Review status: criteria provided, single submitter. Criteria: Invitae Variant Classification Sherloc (09022015). Collection method: clinical testing. Allele origin: germline.
Comment: This sequence change replaces glutamine, which is neutral and polar, with arginine, which is basic and polar, at codon 1118 of the BRCA1 protein (p.Gln1118Arg). This variant is not present in population databases (gnomAD no frequency). This variant has not been reported in the literature in individuals affected with BRCA1-related conditions. Invitae Evidence Modeling of protein sequence and biophysical properties (such as structural, functional, and spatial information, amino acid conservation, physicochemical variation, residue mobility, and thermodynamic stability) indicates that this missense variant is not expected to disrupt BRCA1 protein function with a negative predictive value of 80%. In summary, the available evidence is currently insufficient to determine the role of this variant in disease. Therefore, it has been classified as a Variant of Uncertain Significance.

NM_007294.4(BRCA1):c.3353A>G (p.Gln1118Arg)

Genes: BRCA1 (BRCA1 DNA repair associated; minus strand), LOC126862571 (BRD4-independent group 4 enhancer GRCh37_chr17:41243136-41244335; plus strand). Cytogenetic location: 17q21.31.
Variant type: single nucleotide variant.
Coding change: c.3353A>G on transcript NM_007294.4 (MANE Select); coding-DNA position 3353, A replaced by G.
Protein change: p.Gln1118Arg; replaces glutamine 1118 with arginine.
Molecular consequence: missense variant. On other transcripts: intron variant (137).
Genome position (GRCh38, 1-based): chr17:43,092,178, T>C on the plus strand (A>G on the coding strand, the complement: BRCA1 is on the minus strand). VCF-style: chr17-43092178-T-C. GRCh37 (hg19) VCF-style: chr17-41244195-T-C.
Other names: c.647-1146A>G (NM_001408453.1, NM_001408461.1, NM_001408467.1 and 11 more transcripts); c.785-1146A>G (NM_001408397.1, NM_001408401.1, NM_001408396.1 and 13 more transcripts); c.665-1146A>G (NM_001408436.1, NM_001408444.1, NM_001408438.1 and 12 more transcripts); c.788-1146A>G (NM_001407980.1, NM_001407993.1, NM_001407976.1 and 17 more transcripts); c.653-1146A>G (NM_001408451.1); c.644-1146A>G (NM_001408464.1, NM_001408470.1, NM_001408468.1 and 3 more transcripts); c.524-1146A>G (NM_001408498.1, NM_001408501.1, NM_001408500.1 and 3 more transcripts); c.584-1146A>G (NM_001408475.1); and 41 more; short protein forms Q1006R, Q1007R, Q1029R, Q1030R, Q1047R, Q1048R, Q1050R, Q1051R.
Identifiers: ClinVar variation 4800839 (VCV004800839.2).